The following is an entry in ClinVar:

ClinVar aggregate classification (germline): Uncertain significance (1 of 4 stars; one submission).

Conditions:
Inborn genetic diseases. Identifiers: MedGen C0950123, MeSH D030342.

gnomAD v4.1: 1 of 1,614,112 alleles (0.000062%); highest among the groups gnomAD compares: Non-Finnish European, 0.000085%; no homozygotes.

Submission:

Ambry Genetics
Classification: Uncertain significance for Inborn genetic diseases. Last evaluated: 2023-12-11. Review status: criteria provided, single submitter. Criteria: Ambry Variant Classification Scheme 2023. Collection method: clinical testing. Allele origin: germline.
Comment: The c.452G>T (p.S151I) alteration is located in exon 4 (coding exon 4) of the USP7 gene. This alteration results from a G to T substitution at nucleotide position 452, causing the serine (S) at amino acid position 151 to be replaced by an isoleucine (I). This variant was not reported in population-based cohorts in the Genome Aggregation Database (gnomAD). This amino acid position is highly conserved in available vertebrate species. This missense alteration is located in a region that has a low rate of benign missense variation (Lek, 2016; Firth, 2009). The in silico prediction for this alteration is inconclusive. Based on insufficient or conflicting evidence, the clinical significance of this alteration remains unclear.

NM_003470.3(USP7):c.452G>T (p.Ser151Ile)

Gene: USP7 (ubiquitin specific peptidase 7; minus strand). Cytogenetic location: 16p13.2.
Variant type: single nucleotide variant.
Coding change: c.452G>T on transcript NM_003470.3 (MANE Select); coding-DNA position 452, G replaced by T.
Protein change: p.Ser151Ile; replaces serine 151 with isoleucine.
Molecular consequence: missense variant. On other transcripts: non-coding transcript variant (1).
Genome position (GRCh38, 1-based): chr16:8,921,227, C>A on the plus strand (G>T on the coding strand, the complement: USP7 is on the minus strand). VCF-style: chr16-8921227-C-A. GRCh37 (hg19) VCF-style: chr16-9015084-C-A.
Other names: c.404G>T, p.Ser135Ile (NM_001286457.2); c.155G>T, p.Ser52Ile (NM_001286458.2); c.278G>T, p.Ser93Ile (NM_001321858.2); short protein forms S151I, S93I, S135I, S52I.
Identifiers: ClinVar variation 3187846 (VCV003187846.1), dbSNP rs1273656761, ClinGen allele CA394704835.
Genomic context (GRCh38, chr16:8,921,227, plus strand): 5'-ATAAAATTGGAAAATCCCCAATCATTTTCTTTATGGAAGAACAAATGACTAATACGACGA[C>A]TGAACGACTTTTCATCATCTCTGTAATTTATTATCTTCAGCACTGCTTGTGCATGGCAAG-3'
Protein context (NP_003461.2, residues 141-161): INYRDDEKSF[Ser151Ile]RRISHLFFHK